The following is an entry in ClinVar:

ClinVar aggregate classification (germline): Uncertain significance (1 of 4 stars; one submission).

Submission:

GeneDx
Classification: Uncertain significance. Last evaluated: 2023-06-27. Review status: criteria provided, single submitter. Criteria: GeneDx Variant Classification Process June 2021. Collection method: clinical testing. Allele origin: germline. Affected: yes.
Comment: Not observed at significant frequency in large population cohorts (gnomAD); In silico analysis supports that this missense variant has a deleterious effect on protein structure/function; Has not been previously published as pathogenic or benign to our knowledge

NM_001854.4(COL11A1):c.1678C>A (p.Pro560Thr)

Gene: COL11A1 (collagen type XI alpha 1 chain; minus strand). Cytogenetic location: 1p21.1.
Variant type: single nucleotide variant.
Coding change: c.1678C>A on transcript NM_001854.4 (MANE Select); coding-DNA position 1678, C replaced by A.
Protein change: p.Pro560Thr; replaces proline 560 with threonine.
Molecular consequence: missense variant. On other transcripts: non-coding transcript variant (1).
Genome position (GRCh38, 1-based): chr1:103,008,468, G>T on the plus strand (C>A on the coding strand, the complement: COL11A1 is on the minus strand). VCF-style: chr1-103008468-G-T. GRCh37 (hg19) VCF-style: chr1-103474024-G-T.
Other names: c.1561C>A, p.Pro521Thr (NM_001190709.2); c.1714C>A, p.Pro572Thr (NM_080629.3); c.1330C>A, p.Pro444Thr (NM_080630.4); short protein forms P444T, P521T, P560T, P572T.
Identifiers: ClinVar variation 3340194 (VCV003340194.1).
Genomic context (GRCh38, chr1:103,008,468, plus strand): 5'-TATGCTGTATCAAAGAAGCCAGTCAAGAATAAAAAGTCAAATTTTTATTTTTTACCTGAG[G>T]ACCTGGATCACCACTCTCACCTTTGGCCCCAGATGAACCAGGCCCCCCCTATAGAGAAAA-3'
Protein context (NP_001845.3, residues 550-570): GAKGESGDPG[Pro560Thr]QGPRGVQGPP